The following is an entry in ClinVar:

ClinVar aggregate classification (germline): Uncertain significance (1 of 4 stars; one submission).

Conditions:
Familial cancer of breast. Also called: hereditary breast carcinoma; BREAST CANCER, FAMILIAL; Hereditary breast cancer. Identifiers: Orphanet 227535, MedGen C0346153, MONDO:0016419, OMIM 114480. Disease mechanism: loss of function.

Submission:

Labcorp Genetics (formerly Invitae), Labcorp
Classification: Uncertain significance for Familial cancer of breast. Last evaluated: 2025-06-10. Review status: criteria provided, single submitter. Criteria: Invitae Variant Classification Sherloc (09022015). Collection method: clinical testing. Allele origin: germline.
Comment: This sequence change replaces glycine, which is neutral and non-polar, with serine, which is neutral and polar, at codon 14 of the CHEK2 protein (p.Gly14Ser). This variant is not present in population databases (gnomAD no frequency). This variant has not been reported in the literature in individuals affected with CHEK2-related conditions. ClinVar contains an entry for this variant (Variation ID: 654268). An algorithm developed to predict the effect of missense changes on protein structure and function outputs the following: PolyPhen-2: "Benign". The serine amino acid residue is found in multiple mammalian species, which suggests that this missense change does not adversely affect protein function. In summary, the available evidence is currently insufficient to determine the role of this variant in disease. Therefore, it has been classified as a Variant of Uncertain Significance.

NM_007194.4(CHEK2):c.40G>A (p.Gly14Ser)

Gene: CHEK2 (checkpoint kinase 2; minus strand). Cytogenetic location: 22q12.1.
Variant type: single nucleotide variant.
Coding change: c.40G>A on transcript NM_007194.4 (MANE Select); coding-DNA position 40, G replaced by A.
Protein change: p.Gly14Ser; replaces glycine 14 with serine.
Molecular consequence: missense variant.
Genome position (GRCh38, 1-based): chr22:28,734,682, C>T on the plus strand (G>A on the coding strand, the complement: CHEK2 is on the minus strand). VCF-style: chr22-28734682-C-T. GRCh37 (hg19) VCF-style: chr22-29130670-C-T.
Other names: c.40G>A, p.Gly14Ser (NM_001005735.3, NM_001349956.3, NM_145862.3); c.-738G>A (NM_001257387.3); short protein forms G14S.
Identifiers: ClinVar variation 654268 (VCV000654268.9), dbSNP rs1601854043, ClinGen allele CA411091932.